The following is an entry in ClinVar:

NM_000369.5(TSHR):c.1515C>A (p.Ser505Arg)

Genes: TSHR (thyroid stimulating hormone receptor; plus strand), TSHR-AS1 (TSHR antisense RNA 1; minus strand). Cytogenetic location: 14q31.1.
Variant type: single nucleotide variant.
Coding change: c.1515C>A on transcript NM_000369.5 (MANE Select); coding-DNA position 1515, C replaced by A.
Protein change: p.Ser505Arg; replaces serine 505 with arginine.
Molecular consequence: missense variant.
Genome position (GRCh38, 1-based): chr14:81,143,573, C>A. VCF-style: chr14-81143573-C-A. GRCh37 (hg19) VCF-style: chr14-81609917-C-A.
Other names: short protein forms S505R.
Identifiers: ClinVar variation 2444338 (VCV002444338.1), dbSNP rs774078708, ClinGen allele CA390728063.

ClinVar aggregate classification (germline): Pathogenic (1 of 4 stars; one submission).

Conditions:
Familial gestational hyperthyroidism. Identifiers: Orphanet 99819, MedGen C1863959, MONDO:0011309, OMIM 603373.

Submission:

3billion
Classification: Pathogenic for Familial gestational hyperthyroidism. Last evaluated: 2023-02-23. Review status: criteria provided, single submitter. Criteria: ACMG Guidelines, 2015. Collection method: clinical testing. Allele origin: unknown. Affected: yes.
Comment: The variant is not observed in the gnomAD v2.1.1 dataset. Missense changes are a common disease-causing mechanism. Functional studies provide strong evidence of the variant having a damaging effect on the gene or gene product (PMID: 8636266). In silico tool predictions suggest damaging effect of the variant on gene or gene product (REVEL: 0.70; 3Cnet: 0.91). Same nucleotide change resulting in same amino acid change has been previously reported to be associated with TSHR related disorder (PMID: 8636266). A different missense change at the same codon (p.Ser505Asn) has been reported to be associated with TSHR related disorder (ClinVar ID: VCV000006450 / PMID: 9360555). Therefore, this variant is classified as Pathogenic according to the recommendation of ACMG/AMP guideline.

Literature cited by the submitters: PubMed 8636266; PubMed 9360555.